The following is an entry in ClinVar:

NM_001080517.3(SETD5):c.2683C>T (p.Leu895Phe)

Gene: SETD5 (SET domain containing 5; plus strand). Cytogenetic location: 3p25.3.
Variant type: single nucleotide variant.
Coding change: c.2683C>T on transcript NM_001080517.3 (MANE Select); coding-DNA position 2683, C replaced by T.
Protein change: p.Leu895Phe; replaces leucine 895 with phenylalanine.
Molecular consequence: missense variant.
Genome position (GRCh38, 1-based): chr3:9,464,631, C>T. VCF-style: chr3-9464631-C-T. GRCh37 (hg19) VCF-style: chr3-9506315-C-T.
Other names: c.2389C>T, p.Leu797Phe (NM_001292043.2, NM_001349451.2); short protein forms L895F, L797F.
Identifiers: ClinVar variation 2888636 (VCV002888636.3), dbSNP rs754049785, ClinGen allele CA2239498.

ClinVar aggregate classification (germline): Uncertain significance (1 of 4 stars; one submission).

Allele frequency attached by ClinVar (database versions not stated): gnomAD exomes 0.00001; ExAC 0.00001; gnomAD 0.00002; TOPMed 0.00002.
gnomAD v4.1: 19 of 1,613,922 alleles (0.0012%); highest among the groups gnomAD compares: Non-Finnish European, 0.0016%; no homozygotes.

Submission:

Labcorp Genetics (formerly Invitae), Labcorp
Classification: Uncertain significance. Last evaluated: 2025-10-16. Review status: criteria provided, single submitter. Criteria: Invitae Variant Classification Sherloc (09022015). Collection method: clinical testing. Allele origin: germline.
Comment: This sequence change replaces leucine, which is neutral and non-polar, with phenylalanine, which is neutral and non-polar, at codon 895 of the SETD5 protein (p.Leu895Phe). This variant is present in population databases (rs754049785, gnomAD 0.002%). This variant has not been reported in the literature in individuals affected with SETD5-related conditions. ClinVar contains an entry for this variant (Variation ID: 2888636). Invitae Evidence Modeling of protein sequence and biophysical properties (such as structural, functional, and spatial information, amino acid conservation, physicochemical variation, residue mobility, and thermodynamic stability) indicates that this missense variant is not expected to disrupt SETD5 protein function with a negative predictive value of 80%. In summary, the available evidence is currently insufficient to determine the role of this variant in disease. Therefore, it has been classified as a Variant of Uncertain Significance.